The following is an entry in ClinVar:

ClinVar aggregate classification (germline): Uncertain significance. Review status: criteria provided, multiple submitters, no conflicts (2 of 4 stars). 3 submissions from 3 submitters: Uncertain significance (2). 1 of the submissions does not count toward it. Last evaluated 2025-08-10.

Allele frequency attached by ClinVar (database versions not stated): ExAC 0.00002; gnomAD exomes 0.00002; gnomAD 0.00003; TOPMed 0.00007; ESP Exome Variant Server 0.00015.
gnomAD v4.1: 52 of 1,613,980 alleles (0.0032%); highest among the groups gnomAD compares: African/African-American, 0.0053%; no homozygotes.

Submissions (3):

Ambry Genetics
Classification: Uncertain significance. Last evaluated: 2025-08-10. Review status: criteria provided, single submitter. Criteria: Ambry Variant Classification Scheme 2023. Collection method: clinical testing. Allele origin: germline.

Labcorp Genetics (formerly Invitae), Labcorp
Classification: Uncertain significance. Last evaluated: 2024-03-01. Review status: criteria provided, single submitter. Criteria: Invitae Variant Classification Sherloc (09022015). Collection method: clinical testing. Allele origin: germline.
Comment: This sequence change replaces proline, which is neutral and non-polar, with leucine, which is neutral and non-polar, at codon 1207 of the ERBB2 protein (p.Pro1207Leu). This variant is present in population databases (rs145772320, gnomAD 0.006%). This variant has not been reported in the literature in individuals affected with ERBB2-related conditions. ClinVar contains an entry for this variant (Variation ID: 134083). An algorithm developed to predict the effect of missense changes on protein structure and function (PolyPhen-2) suggests that this variant is likely to be tolerated. In summary, the available evidence is currently insufficient to determine the role of this variant in disease. Therefore, it has been classified as a Variant of Uncertain Significance.

ITMI
No classification provided. Condition: AllHighlyPenetrant. Last evaluated: 2013-09-19. Review status: no classification provided. Collection method: reference population. Allele origin: germline. Not counted in ClinVar's aggregate classification.
Comment: Please see associated publication for description of ethnicities

Literature cited by the submitters: PubMed 24728327 (cited by ITMI).

NM_004448.4(ERBB2):c.3620C>T (p.Pro1207Leu)

Gene: ERBB2 (erb-b2 receptor tyrosine kinase 2; plus strand). Cytogenetic location: 17q12.
Variant type: single nucleotide variant.
Coding change: c.3620C>T on transcript NM_004448.4 (MANE Select); coding-DNA position 3620, C replaced by T.
Protein change: p.Pro1207Leu; replaces proline 1207 with leucine.
Molecular consequence: missense variant. On other transcripts: 3 prime UTR variant (2), non-coding transcript variant (1).
Genome position (GRCh38, 1-based): chr17:39,727,896, C>T. VCF-style: chr17-39727896-C-T. GRCh37 (hg19) VCF-style: chr17-37884149-C-T.
Other names: c.3530C>T, p.Pro1177Leu (NM_001005862.3, NM_001382782.1, NM_001382783.1); c.3575C>T, p.Pro1192Leu (NM_001289936.2); c.*199C>T (NM_001289937.2, NM_001382803.1); c.3737C>T, p.Pro1246Leu (NM_001382784.1); c.3722C>T, p.Pro1241Leu (NM_001382785.1); c.3701C>T, p.Pro1234Leu (NM_001382786.1); c.3695C>T, p.Pro1232Leu (NM_001382787.1); c.3650C>T, p.Pro1217Leu (NM_001382788.1); and 17 more; short protein forms P1177L, P1207L, P1192L, P1121L, P1139L, P1145L, P1147L, P1155L.
Identifiers: ClinVar variation 134083 (VCV000134083.9), dbSNP rs145772320, ClinGen allele CA158670.